The following is an entry in ClinVar:

ClinVar aggregate classification (germline): Uncertain significance (1 of 4 stars; one submission).

gnomAD v4.1: 1 of 1,613,486 alleles (0.000062%); highest among the groups gnomAD compares: Non-Finnish European, 0.000085%; no homozygotes.

Submission:

Labcorp Genetics (formerly Invitae), Labcorp
Classification: Uncertain significance. Last evaluated: 2025-09-22. Review status: criteria provided, single submitter. Criteria: Invitae Variant Classification Sherloc (09022015). Collection method: clinical testing. Allele origin: germline.
Comment: This sequence change replaces proline, which is neutral and non-polar, with threonine, which is neutral and polar, at codon 316 of the BACH2 protein (p.Pro316Thr). This variant is present in population databases (no rsID available, gnomAD 0.0009%). This variant has not been reported in the literature in individuals affected with BACH2-related conditions. ClinVar contains an entry for this variant (Variation ID: 3620312). An algorithm developed to predict the effect of missense changes on protein structure and function (PolyPhen-2) suggests that this variant is likely to be disruptive. In summary, the available evidence is currently insufficient to determine the role of this variant in disease. Therefore, it has been classified as a Variant of Uncertain Significance.

NM_021813.4(BACH2):c.946C>A (p.Pro316Thr)

Gene: BACH2 (BACH transcriptional regulator 2; minus strand). Cytogenetic location: 6q15.
Variant type: single nucleotide variant.
Coding change: c.946C>A on transcript NM_021813.4 (MANE Select); coding-DNA position 946, C replaced by A.
Protein change: p.Pro316Thr; replaces proline 316 with threonine.
Molecular consequence: missense variant.
Genome position (GRCh38, 1-based): chr6:89,951,160, G>T on the plus strand (C>A on the coding strand, the complement: BACH2 is on the minus strand). VCF-style: chr6-89951160-G-T. GRCh37 (hg19) VCF-style: chr6-90660879-G-T.
Other names: c.946C>A, p.Pro316Thr (NM_001170794.2); short protein forms P316T.
Identifiers: ClinVar variation 3620312 (VCV003620312.2).
Genomic context (GRCh38, chr6:89,951,160, plus strand): 5'-CCACGCTCCTGGATCTCTCCAGGCAGGCGGCCCCAGCTGGGGCCGTGGGGGTAGGGGCAG[G>T]GCTGGGCTGTTTCCGGTCCATCTCGACATCCCCCGCTCTGTCCTTGGCGTCAGGCTCATC-3'
Protein context (NP_068585.1, residues 306-326): DVEMDRKQPS[Pro316Thr]APTPTAPAGA